The following is an entry in ClinVar:

ClinVar aggregate classification (germline): Uncertain significance (1 of 4 stars; one submission).

Allele frequency attached by ClinVar (database versions not stated): gnomAD exomes below 0.00001; gnomAD 0.00001; TOPMed 0.00001; ESP Exome Variant Server 0.00008.

Submission:

Labcorp Genetics (formerly Invitae), Labcorp
Classification: Uncertain significance. Last evaluated: 2022-07-21. Review status: criteria provided, single submitter. Criteria: Invitae Variant Classification Sherloc (09022015). Collection method: clinical testing. Allele origin: germline.
Comment: This sequence change replaces tyrosine, which is neutral and polar, with histidine, which is basic and polar, at codon 568 of the LAMA1 protein (p.Tyr568His). This variant is not present in population databases (gnomAD no frequency). This variant has not been reported in the literature in individuals affected with LAMA1-related conditions. Algorithms developed to predict the effect of missense changes on protein structure and function (SIFT, PolyPhen-2, Align-GVGD) all suggest that this variant is likely to be disruptive. In summary, the available evidence is currently insufficient to determine the role of this variant in disease. Therefore, it has been classified as a Variant of Uncertain Significance.

NM_005559.4(LAMA1):c.1702T>C (p.Tyr568His)

Gene: LAMA1 (laminin subunit alpha 1; minus strand). Cytogenetic location: 18p11.31.
Variant type: single nucleotide variant.
Coding change: c.1702T>C on transcript NM_005559.4 (MANE Select); coding-DNA position 1702, T replaced by C.
Protein change: p.Tyr568His; replaces tyrosine 568 with histidine.
Molecular consequence: missense variant.
Genome position (GRCh38, 1-based): chr18:7,037,613, A>G on the plus strand (T>C on the coding strand, the complement: LAMA1 is on the minus strand). VCF-style: chr18-7037613-A-G. GRCh37 (hg19) VCF-style: chr18-7037612-A-G.
Other names: short protein forms Y568H.
Identifiers: ClinVar variation 2008746 (VCV002008746.4), dbSNP rs375730859, ClinGen allele CA295756800.